The following is an entry in ClinVar:

ClinVar aggregate classification (germline): Likely pathogenic (1 of 4 stars; one submission).

Submission:

GeneDx
Classification: Likely pathogenic. Last evaluated: 2015-01-06. Review status: criteria provided, single submitter. Criteria: GeneDx Variant Classification (06012015). Collection method: clinical testing. Allele origin: germline. Affected: yes.
Comment: c.2094_2097dupAACT: p.Val700AsnfsX7 in exon 14 in the POGZ gene (NM_015100.3). The normal sequence with the bases that are duplicated in braces is: CACG{AACT}GTTC. The c.2094_2097dupAACT variant in the POGZ gene causes a frameshift starting with codon Valine 700, changes this amino acid to a Asparagine residue and creates a premature Stop codon at position 7 of the new reading frame, denoted p.Val700AsnfsX7. This variant is predicted to cause loss of normal protein function either through protein truncation or nonsense-mediated mRNA decay. The c.2094_2097dupAACT variant was not observed in approximately 6,500 individuals of European and African American ancestry in the NHLBI Exome Sequencing Project, indicating it is not a common benign variant in these populations. The c.2094_2097dupAACT variant is a good candidate for a disease-causing mutation, which may be related to intellectual disability. However, the possibility that c.2094_2097dupAACT may be a rare benign variant cannot be excluded. This varint has been observed de novo with confirmed parentage. This variant was found in POGZ panel(s).

NM_015100.4(POGZ):c.2094_2097dup (p.Val700fs)

Gene: POGZ (pogo transposable element derived with ZNF domain; minus strand). Cytogenetic location: 1q21.3.
Variant type: Duplication.
Coding change: c.2094_2097dup on transcript NM_015100.4 (MANE Select); coding-DNA positions 2094 to 2097, 4 bases duplicated (AACT; older notation c.2094_2097dupAACT).
Protein change: p.Val700fs; shifts the reading frame from valine 700.
Molecular consequence: frameshift variant.
Genome position (GRCh38, 1-based): chr1:151,408,546-151,408,549, AGTT duplicated on the plus strand (AACT on the coding strand, the reverse complement: POGZ is on the minus strand). VCF-style (leftmost placement, unchanged base first): chr1-151408545-C-CAGTT. GRCh37 (hg19) VCF-style: chr1-151381021-C-CAGTT.
Other names: c.2067_2070dup, p.Val691fs (NM_001194937.2); c.1908_1911dup, p.Val638fs (NM_001194938.2); c.1809_1812dup, p.Val605fs (NM_145796.4); c.1935_1938dup, p.Val647fs (NM_207171.2); short protein forms V700fs, V638fs, V647fs, V605fs, V691fs.
Identifiers: ClinVar variation 207799 (VCV000207799.1), dbSNP rs796052219, ClinGen allele CA319618.
Genomic context (GRCh38, chr1:151,408,545, plus strand): 5'-AGGTCAGCGGTGCTGCCTCCTGCAAGGCGCTGGGAGGTGTATCATTAGAGGATACAGGAA[C>CAGTT]AGTTCGTGGCTGCCCTCGGGAAGCCCGGATTGTCACCTGAGAACCAAGGGAAGTAACAAT-3'